The following is an entry in ClinVar:

NM_001375524.1(TRRAP):c.797C>T (p.Ala266Val)

Gene: TRRAP (transformation/transcription domain associated protein; plus strand). Cytogenetic location: 7q22.1.
Variant type: single nucleotide variant.
Coding change: c.797C>T on transcript NM_001375524.1 (MANE Select); coding-DNA position 797, C replaced by T.
Protein change: p.Ala266Val; replaces alanine 266 with valine.
Molecular consequence: missense variant.
Genome position (GRCh38, 1-based): chr7:98,899,764, C>T. VCF-style: chr7-98899764-C-T. GRCh37 (hg19) VCF-style: chr7-98497387-C-T.
Other names: c.797C>T, p.Ala266Val (NM_001244580.2, NM_003496.4); short protein forms A266V.
Identifiers: ClinVar variation 2897922 (VCV002897922.3), dbSNP rs1258112046, ClinGen allele CA368280538.

ClinVar aggregate classification (germline): Uncertain significance (1 of 4 stars; one submission).

Allele frequency attached by ClinVar (database versions not stated): TOPMed below 0.00001; gnomAD 0.00001; gnomAD exomes 0.00002.
gnomAD v4.1: 23 of 1,613,854 alleles (0.0014%); highest among the groups gnomAD compares: South Asian, 0.0022%; no homozygotes.

Submission:

Labcorp Genetics (formerly Invitae), Labcorp
Classification: Uncertain significance. Last evaluated: 2024-05-23. Review status: criteria provided, single submitter. Criteria: Invitae Variant Classification Sherloc (09022015). Collection method: clinical testing. Allele origin: germline.
Comment: This sequence change replaces alanine, which is neutral and non-polar, with valine, which is neutral and non-polar, at codon 266 of the TRRAP protein (p.Ala266Val). This variant is not present in population databases (gnomAD no frequency). This variant has not been reported in the literature in individuals affected with TRRAP-related conditions. Advanced modeling of protein sequence and biophysical properties (such as structural, functional, and spatial information, amino acid conservation, physicochemical variation, residue mobility, and thermodynamic stability) performed at Invitae indicates that this missense variant is not expected to disrupt TRRAP protein function with a negative predictive value of 80%. In summary, the available evidence is currently insufficient to determine the role of this variant in disease. Therefore, it has been classified as a Variant of Uncertain Significance.